The following is an entry in ClinVar:

ClinVar aggregate classification (germline): Conflicting classifications of pathogenicity. Review status: criteria provided, conflicting classifications (1 of 4 stars). 3 submissions from 3 submitters: Uncertain significance (2); Likely benign (1). Last evaluated 2023-03-23.

Conditions:
Hereditary cancer-predisposing syndrome. Also called: Neoplastic Syndromes, Hereditary; Tumor predisposition; Hereditary Cancer Syndrome; Hereditary neoplastic syndrome. Identifiers: Orphanet 140162, MedGen C0027672, MeSH D009386, MONDO:0015356.
Hereditary breast ovarian cancer syndrome. Also called: Hereditary breast and ovarian cancer; Hereditary breast and ovarian cancer syndrome (HBOC); Hereditary breast and ovarian cancer syndrome; BRCA1- and BRCA2-Associated Hereditary Breast and Ovarian Cancer; Hereditary breast and/or ovarian cancer syndrome; Breast and ovarian cancer. Identifiers: Orphanet 145, MedGen C0677776, MeSH D061325, MONDO:0003582. Disease mechanism: loss of function.

Submissions (3):

University of Washington Department of Laboratory Medicine, University of Washington
Classification: Likely benign for Hereditary cancer-predisposing syndrome. Last evaluated: 2023-03-23. Review status: criteria provided, single submitter. Criteria: Dines et al. (Genet Med. 2020). Collection method: curation. Allele origin: germline.
Comment: Missense variant in a coldspot region where missense variants are very unlikely to be pathogenic (PMID:31911673).

BRCA1 coldspot (exon 11 using historical exon numbering). Reclassification based on statistical prior probability

Ambry Genetics
Classification: Uncertain significance for Hereditary cancer-predisposing syndrome. Last evaluated: 2021-07-29. Review status: criteria provided, single submitter. Criteria: Ambry Variant Classification Scheme 2023. Collection method: clinical testing. Allele origin: germline.
Comment: The p.D435V variant (also known as c.1304A>T), located in coding exon 9 of the BRCA1 gene, results from an A to T substitution at nucleotide position 1304. The aspartic acid at codon 435 is replaced by valine, an amino acid with highly dissimilar properties. This amino acid position is not well conserved in available vertebrate species. In addition, this alteration is predicted to be deleterious by in silico analysis. Since supporting evidence is limited at this time, the clinical significance of this alteration remains unclear.

Labcorp Genetics (formerly Invitae), Labcorp
Classification: Uncertain significance for Hereditary breast ovarian cancer syndrome. Last evaluated: 2020-06-29. Review status: criteria provided, single submitter. Criteria: Invitae Variant Classification Sherloc (09022015). Collection method: clinical testing. Allele origin: germline.
Comment: This variant has not been reported in the literature in individuals with BRCA1-related conditions. In summary, the available evidence is currently insufficient to determine the role of this variant in disease. Therefore, it has been classified as a Variant of Uncertain Significance. Algorithms developed to predict the effect of missense changes on protein structure and function are either unavailable or do not agree on the potential impact of this missense change (SIFT: "Tolerated"; PolyPhen-2: "Probably Damaging"; Align-GVGD: "Class C0"). This variant is not present in population databases (ExAC no frequency). This sequence change replaces aspartic acid with valine at codon 435 of the BRCA1 protein (p.Asp435Val). The aspartic acid residue is moderately conserved and there is a large physicochemical difference between aspartic acid and valine.

NM_007294.4(BRCA1):c.1304A>T (p.Asp435Val)

Gene: BRCA1 (BRCA1 DNA repair associated; minus strand). Cytogenetic location: 17q21.31.
Variant type: single nucleotide variant.
Coding change: c.1304A>T on transcript NM_007294.4 (MANE Select); coding-DNA position 1304, A replaced by T.
Protein change: p.Asp435Val; replaces aspartic acid 435 with valine.
Molecular consequence: missense variant. On other transcripts: intron variant (137).
Genome position (GRCh38, 1-based): chr17:43,094,227, T>A on the plus strand (A>T on the coding strand, the complement: BRCA1 is on the minus strand). VCF-style: chr17-43094227-T-A. GRCh37 (hg19) VCF-style: chr17-41246244-T-A.
Other names: c.971A>T, p.Asp324Val (NM_001407957.1, NM_001407946.1, NM_001407947.1 and 6 more transcripts); c.968A>T, p.Asp323Val (NM_001407958.1, NM_001407954.1, NM_001407955.1 and 1 more transcripts); c.923A>T, p.Asp308Val (NM_001407959.1, NM_001407960.1, NM_001407963.1); c.920A>T, p.Asp307Val (NM_001407962.1); c.1160A>T, p.Asp387Val (NM_001407964.1, NM_001407740.1, NM_001407741.1 and 20 more transcripts); c.800A>T, p.Asp267Val (NM_001407965.1); c.416A>T, p.Asp139Val (NM_001407966.1, NM_001407967.1); c.1163A>T, p.Asp388Val (NM_007297.4, NM_001407692.1, NM_001407694.1 and 29 more transcripts); and 40 more; short protein forms D388V, D435V, D365V, D408V, D139V, D308V, D324V, D364V.
Identifiers: ClinVar variation 1026797 (VCV001026797.14), dbSNP rs2053960174, ClinGen allele CA10599444.
Genomic context (GRCh38, chr17:43,094,227, plus strand): 5'-TTACTCTCTACTGATTTGGAGTGAACTCTTTCACTTTTACATATTAAAGCCTCATGAGGA[T>A]CACTGGCCAGTAAGTCTATTTTCTCTGAAGAACCAGAATATTCATCTACCTCATTTAGAA-3'
Protein context (NP_009225.1, residues 425-445): SSEKIDLLAS[Asp435Val]PHEALICKSE